The following is an entry in ClinVar:

ClinVar aggregate classification (germline): Uncertain significance (1 of 4 stars; one submission).

Allele frequency attached by ClinVar (database versions not stated): gnomAD exomes below 0.00001; gnomAD 0.00001.
gnomAD v4.1: 3 of 1,610,428 alleles (0.00019%); highest among the groups gnomAD compares: Non-Finnish European, 0.000085%; no homozygotes.

Submission:

Labcorp Genetics (formerly Invitae), Labcorp
Classification: Uncertain significance. Last evaluated: 2022-07-19. Review status: criteria provided, single submitter. Criteria: Invitae Variant Classification Sherloc (09022015). Collection method: clinical testing. Allele origin: germline.
Comment: This sequence change replaces serine, which is neutral and polar, with proline, which is neutral and non-polar, at codon 334 of the CD55 protein (p.Ser334Pro). In summary, the available evidence is currently insufficient to determine the role of this variant in disease. Therefore, it has been classified as a Variant of Uncertain Significance. Algorithms developed to predict the effect of missense changes on protein structure and function output the following: SIFT: "Tolerated"; PolyPhen-2: "Benign"; Align-GVGD: "Class C0". The proline amino acid residue is found in multiple mammalian species, which suggests that this missense change does not adversely affect protein function. ClinVar contains an entry for this variant (Variation ID: 1485980). This variant has not been reported in the literature in individuals affected with CD55-related conditions. This variant is not present in population databases (gnomAD no frequency).

NM_000574.5(CD55):c.1000T>C (p.Ser334Pro)

Gene: CD55 (CD55 molecule (Cromer blood group); plus strand). Cytogenetic location: 1q32.2.
Variant type: single nucleotide variant.
Coding change: c.1000T>C on transcript NM_000574.5 (MANE Select); coding-DNA position 1000, T replaced by C.
Protein change: p.Ser334Pro; replaces serine 334 with proline.
Molecular consequence: missense variant. On other transcripts: non-coding transcript variant (1).
Genome position (GRCh38, 1-based): chr1:207,337,349, T>C. VCF-style: chr1-207337349-T-C. GRCh37 (hg19) VCF-style: chr1-207510694-T-C.
Other names: c.1000T>C, p.Ser334Pro (NM_001114752.3, NM_001300902.2, NM_001300903.2 and 1 more transcripts); short protein forms S334P.
Identifiers: ClinVar variation 1485980 (VCV001485980.6), dbSNP rs1655228157, ClinGen allele CA344522188.